The following is an entry in ClinVar:

NM_182493.3(MYLK3):c.2T>A (p.Met1Lys)

Gene: MYLK3 (myosin light chain kinase 3; minus strand). Cytogenetic location: 16q11.2.
Variant type: single nucleotide variant.
Coding change: c.2T>A on transcript NM_182493.3 (MANE Select); coding-DNA position 2, T replaced by A.
Protein change: p.Met1Lys; changes the start codon (methionine 1).
Molecular consequence: missense variant, initiator codon variant. On other transcripts: intron variant (1).
Genome position (GRCh38, 1-based): chr16:46,748,192, A>T on the plus strand (T>A on the coding strand, the complement: MYLK3 is on the minus strand). VCF-style: chr16-46748192-A-T. GRCh37 (hg19) VCF-style: chr16-46782104-A-T.
Other names: c.-113-8045T>A (NM_001308301.1); short protein forms M1K.
Identifiers: ClinVar variation 1393009 (VCV001393009.6), dbSNP rs1967064640, ClinGen allele CA395799398.
Genomic context (GRCh38, chr16:46,748,192, plus strand): 5'-CAGGTCTTGCCCAACCCTGGCAGCCCCCCATGCCCCAGACTCTCCTTGGAGGTTCCTGAC[A>T]TGCTGGTGCAGGCTTGACAAGGGCAAGAGCGGGGAATGAGGAGAGGCACAGACCCCTGGT-3'
Protein context (NP_872299.2, residues 1-11): [Met1Lys]SGTSKESLGH

ClinVar aggregate classification (germline): Uncertain significance (1 of 4 stars; one submission).

Allele frequency attached by ClinVar (database versions not stated): TOPMed below 0.00001.

Submission:

Labcorp Genetics (formerly Invitae), Labcorp
Classification: Uncertain significance. Last evaluated: 2024-09-17. Review status: criteria provided, single submitter. Criteria: Invitae Variant Classification Sherloc (09022015). Collection method: clinical testing. Allele origin: germline.
Comment: This sequence change affects the initiator methionine of the MYLK3 mRNA. The next in-frame methionine is located at codon 25. This variant is not present in population databases (gnomAD no frequency). This variant has not been reported in the literature in individuals affected with MYLK3-related conditions. ClinVar contains an entry for this variant (Variation ID: 1393009). Experimental studies and prediction algorithms are not available or were not evaluated, and the functional significance of this variant is currently unknown. In summary, the available evidence is currently insufficient to determine the role of this variant in disease. Therefore, it has been classified as a Variant of Uncertain Significance.